The following is an entry in ClinVar:

NM_005915.6(MCM6):c.275G>A (p.Arg92Gln)

Gene: MCM6 (minichromosome maintenance complex component 6; minus strand). Cytogenetic location: 2q21.3.
Variant type: single nucleotide variant.
Coding change: c.275G>A on transcript NM_005915.6 (MANE Select); coding-DNA position 275, G replaced by A.
Protein change: p.Arg92Gln; replaces arginine 92 with glutamine.
Molecular consequence: missense variant.
Genome position (GRCh38, 1-based): chr2:135,870,341, C>T on the plus strand (G>A on the coding strand, the complement: MCM6 is on the minus strand). VCF-style: chr2-135870341-C-T. GRCh37 (hg19) VCF-style: chr2-136627911-C-T.
Other names: NC_000002.11:g.136627911C>T; short protein forms R92Q.
Identifiers: ClinVar variation 3050713 (VCV003050713.13), dbSNP rs61750436, ClinGen allele CA1889320.

ClinVar aggregate classification (germline): Likely benign. Review status: criteria provided, single submitter (1 of 4 stars). 2 submissions from 2 submitters: Likely benign (1). 1 of the submissions does not count toward it. Last evaluated 2025-05-01.

Conditions:
MCM6-related disorder. Also called: MCM6-related condition.

Allele frequency attached by ClinVar (database versions not stated): gnomAD 0.00160; TOPMed 0.00199; 1000 Genomes Project 30x 0.00031; 1000 Genomes Project 0.00040; ExAC 0.00150; ESP Exome Variant Server 0.00154.
gnomAD v4.1: 3,210 of 1,613,466 alleles (0.2%); highest among the groups gnomAD compares: Admixed American, 0.25%; 3 homozygotes.

Submissions (15):

CeGaT Center for Human Genetics Tuebingen
Classification: Likely benign. Last evaluated: 2025-05-01. Review status: criteria provided, single submitter. Criteria: CeGaT Center For Human Genetics Tuebingen Variant Classification Criteria Version 2. Collection method: clinical testing. Allele origin: germline. Affected: yes. Observed: 1 variant allele.
Comment: MCM6: BS2

PreventionGenetics, part of Exact Sciences
Classification: Likely benign for MCM6-related condition. Last evaluated: 2019-08-28. Review status: no assertion criteria provided. Collection method: clinical testing. Allele origin: germline. Not counted in ClinVar's aggregate classification.
Comment: This variant is classified as likely benign based on ACMG/AMP sequence variant interpretation guidelines (Richards et al. 2015 PMID: 25741868, with internal and published modifications).

Dr. Peter K. Rogan Lab, Western University
No classification provided (evidence only). Condition: Lung cancer. Review status: no classification provided. Collection method: in vitro. Allele origin: not applicable. Functional consequence: retained intron. Not counted in ClinVar's aggregate classification.

Dr. Peter K. Rogan Lab, Western University
No classification provided (evidence only). Condition: Familial cancer of breast. Review status: no classification provided. Collection method: in vitro. Allele origin: not applicable. Functional consequence: retained intron. Not counted in ClinVar's aggregate classification.

Dr. Peter K. Rogan Lab, Western University
No classification provided (evidence only). Condition: Colon adenocarcinoma. Review status: no classification provided. Collection method: in vitro. Allele origin: not applicable. Functional consequence: retained intron. Not counted in ClinVar's aggregate classification.

Dr. Peter K. Rogan Lab, Western University
No classification provided (evidence only). Condition: Thyroid cancer, nonmedullary, 1. Review status: no classification provided. Collection method: in vitro. Allele origin: not applicable. Functional consequence: retained intron. Not counted in ClinVar's aggregate classification.

Dr. Peter K. Rogan Lab, Western University
No classification provided (evidence only). Condition: Cervical cancer. Review status: no classification provided. Collection method: in vitro. Allele origin: not applicable. Functional consequence: retained intron. Not counted in ClinVar's aggregate classification.

Dr. Peter K. Rogan Lab, Western University
No classification provided (evidence only). Condition: Cervical cancer. Review status: no classification provided. Collection method: in vitro. Allele origin: not applicable. Functional consequence: retained intron. Not counted in ClinVar's aggregate classification.

Dr. Peter K. Rogan Lab, Western University
No classification provided (evidence only). Condition: Thymoma. Review status: no classification provided. Collection method: in vitro. Allele origin: not applicable. Functional consequence: retained intron. Not counted in ClinVar's aggregate classification.

Dr. Peter K. Rogan Lab, Western University
No classification provided (evidence only). Condition: Ovarian serous cystadenocarcinoma. Review status: no classification provided. Collection method: in vitro. Allele origin: not applicable. Functional consequence: retained intron. Not counted in ClinVar's aggregate classification.

Dr. Peter K. Rogan Lab, Western University
No classification provided (evidence only). Condition: Ovarian serous cystadenocarcinoma. Review status: no classification provided. Collection method: in vitro. Allele origin: not applicable. Functional consequence: retained intron. Not counted in ClinVar's aggregate classification.

Dr. Peter K. Rogan Lab, Western University
No classification provided (evidence only). Condition: Ovarian serous cystadenocarcinoma. Review status: no classification provided. Collection method: in vitro. Allele origin: not applicable. Functional consequence: retained intron. Not counted in ClinVar's aggregate classification.

Dr. Peter K. Rogan Lab, Western University
No classification provided (evidence only). Condition: Gastric cancer. Review status: no classification provided. Collection method: in vitro. Allele origin: not applicable. Functional consequence: retained intron. Not counted in ClinVar's aggregate classification.

Dr. Peter K. Rogan Lab, Western University
No classification provided (evidence only). Condition: Gastric cancer. Review status: no classification provided. Collection method: in vitro. Allele origin: not applicable. Functional consequence: retained intron. Not counted in ClinVar's aggregate classification.

Dr. Peter K. Rogan Lab, Western University
No classification provided (evidence only). Condition: Malignant tumor of esophagus. Review status: no classification provided. Collection method: in vitro. Allele origin: not applicable. Functional consequence: retained intron. Not counted in ClinVar's aggregate classification.